The following is an entry in ClinVar:

NM_001375524.1(TRRAP):c.4561T>C (p.Cys1521Arg)

Gene: TRRAP (transformation/transcription domain associated protein; plus strand). Cytogenetic location: 7q22.1.
Variant type: single nucleotide variant.
Coding change: c.4561T>C on transcript NM_001375524.1 (MANE Select); coding-DNA position 4561, T replaced by C.
Protein change: p.Cys1521Arg; replaces cysteine 1521 with arginine.
Molecular consequence: missense variant.
Genome position (GRCh38, 1-based): chr7:98,948,233, T>C. VCF-style: chr7-98948233-T-C. GRCh37 (hg19) VCF-style: chr7-98545856-T-C.
Other names: c.4540T>C, p.Cys1514Arg (NM_001244580.2); c.4486T>C, p.Cys1496Arg (NM_003496.4); short protein forms C1514R, C1521R, C1496R.
Identifiers: ClinVar variation 2766168 (VCV002766168.3), dbSNP rs2484845974, ClinGen allele CA368311480.

ClinVar aggregate classification (germline): Uncertain significance (1 of 4 stars; one submission).

Submission:

Labcorp Genetics (formerly Invitae), Labcorp
Classification: Uncertain significance. Last evaluated: 2023-10-05. Review status: criteria provided, single submitter. Criteria: Invitae Variant Classification Sherloc (09022015). Collection method: clinical testing. Allele origin: germline.
Comment: This sequence change replaces cysteine, which is neutral and slightly polar, with arginine, which is basic and polar, at codon 1496 of the TRRAP protein (p.Cys1496Arg). This variant is not present in population databases (gnomAD no frequency). This variant has not been reported in the literature in individuals affected with TRRAP-related conditions. Advanced modeling of protein sequence and biophysical properties (such as structural, functional, and spatial information, amino acid conservation, physicochemical variation, residue mobility, and thermodynamic stability) performed at Invitae indicates that this missense variant is expected to disrupt TRRAP protein function. In summary, the available evidence is currently insufficient to determine the role of this variant in disease. Therefore, it has been classified as a Variant of Uncertain Significance.